The following is an entry in ClinVar:

ClinVar aggregate classification (germline): Uncertain significance (1 of 4 stars; one submission).

Conditions:
Familial hemophagocytic lymphohistiocytosis 3 (FHL3). Also called: UNC13D-Related Familial Hemophagocytic Lymphohistiocytosis (UNC13D-fHLH). Identifiers: Orphanet 540, MedGen C1837174, MONDO:0012146, OMIM 608898.

Allele frequency attached by ClinVar (database versions not stated): gnomAD exomes below 0.00001; ExAC 0.00001; TOPMed 0.00002.
gnomAD v4.1: 5 of 1,613,584 alleles (0.00031%); highest among the groups gnomAD compares: East Asian, 0.0022%; no homozygotes.

Submission:

Labcorp Genetics (formerly Invitae), Labcorp
Classification: Uncertain significance for Familial hemophagocytic lymphohistiocytosis 3. Last evaluated: 2023-12-11. Review status: criteria provided, single submitter. Criteria: Invitae Variant Classification Sherloc (09022015). Collection method: clinical testing. Allele origin: germline.
Comment: This sequence change replaces glutamic acid with lysine at codon 317 of the UNC13D protein (p.Glu317Lys). The glutamic acid residue is weakly conserved and there is a small physicochemical difference between glutamic acid and lysine. This variant is present in population databases (rs777818719, gnomAD 0.006%). This variant has not been reported in the literature in individuals affected with UNC13D-related conditions. ClinVar contains an entry for this variant (Variation ID: 937745). Algorithms developed to predict the effect of missense changes on protein structure and function output the following: SIFT: "Not Available"; PolyPhen-2: "Benign"; Align-GVGD: "Not Available". The lysine amino acid residue is found in multiple mammalian species, which suggests that this missense change does not adversely affect protein function. In summary, the available evidence is currently insufficient to determine the role of this variant in disease. Therefore, it has been classified as a Variant of Uncertain Significance.

NM_199242.3(UNC13D):c.949G>A (p.Glu317Lys)

Gene: UNC13D (unc-13 homolog D; minus strand). Cytogenetic location: 17q25.1.
Variant type: single nucleotide variant.
Coding change: c.949G>A on transcript NM_199242.3 (MANE Select); coding-DNA position 949, G replaced by A.
Protein change: p.Glu317Lys; replaces glutamic acid 317 with lysine.
Molecular consequence: missense variant.
Genome position (GRCh38, 1-based): chr17:75,840,020, C>T on the plus strand (G>A on the coding strand, the complement: UNC13D is on the minus strand). VCF-style: chr17-75840020-C-T. GRCh37 (hg19) VCF-style: chr17-73836101-C-T.
Other names: short protein forms E317K.
Identifiers: ClinVar variation 937745 (VCV000937745.5), dbSNP rs777818719, ClinGen allele CA8773204.